The following is an entry in ClinVar:

ClinVar aggregate classification (germline): Benign. Review status: criteria provided, multiple submitters, no conflicts (2 of 4 stars). 4 submissions from 4 submitters: Benign (3). 1 of the submissions does not count toward it. Last evaluated 2019-12-31.

Conditions:
GRB10-related disorder. Also called: GRB10-related condition.

Allele frequency attached by ClinVar (database versions not stated): gnomAD exomes 0.00195; 1000 Genomes Project 0.01937; 1000 Genomes Project 30x 0.01999; TOPMed 0.02018; ESP Exome Variant Server 0.02169.
gnomAD v4.1: 5,853 of 1,613,398 alleles (0.36%); highest among the groups gnomAD compares: African/African-American, 6.4%; 183 homozygotes.

Submissions (4):

Labcorp Genetics (formerly Invitae), Labcorp
Classification: Benign. Last evaluated: 2019-12-31. Review status: criteria provided, single submitter. Criteria: Invitae Variant Classification Sherloc (09022015). Collection method: clinical testing. Allele origin: germline.

GeneDx
Classification: Benign. Last evaluated: 2015-03-03. Review status: criteria provided, single submitter. Criteria: GeneDx Variant Classification Process June 2021. Collection method: clinical testing. Allele origin: germline. Affected: yes.

Breakthrough Genomics
Classification: Benign. Review status: criteria provided, single submitter. Criteria: ACMG Guidelines, 2015. Collection method: not provided. Allele origin: germline. Inheritance: Unknown mechanism. Affected: yes.

PreventionGenetics, part of Exact Sciences
Classification: Benign for GRB10-related condition. Last evaluated: 2019-02-23. Review status: no assertion criteria provided. Collection method: clinical testing. Allele origin: germline. Not counted in ClinVar's aggregate classification.
Comment: This variant is classified as benign based on ACMG/AMP sequence variant interpretation guidelines (Richards et al. 2015 PMID: 25741868, with internal and published modifications).

NM_001350814.2(GRB10):c.107C>T (p.Pro36Leu)

Gene: GRB10 (growth factor receptor bound protein 10; minus strand). Cytogenetic location: 7p12.1.
Variant type: single nucleotide variant.
Coding change: c.107C>T on transcript NM_001350814.2 (MANE Select); coding-DNA position 107, C replaced by T.
Protein change: p.Pro36Leu; replaces proline 36 with leucine.
Molecular consequence: missense variant. On other transcripts: 5 prime UTR variant (3), intron variant (3).
Genome position (GRCh38, 1-based): chr7:50,703,853, G>A on the plus strand (C>T on the coding strand, the complement: GRB10 is on the minus strand). VCF-style: chr7-50703853-G-A. GRCh37 (hg19) VCF-style: chr7-50771550-G-A.
Other names: NM_005311.4:c.107C>T; c.107C>T, p.Pro36Leu (NM_001001549.3); c.-68C>T (NM_001001550.3, NM_001001555.3, NM_001350816.3); c.-36+28419C>T (NM_001371008.1); c.254-29195C>T (NM_001350815.2); c.287-29195C>T (NM_001371009.1); c.107C>T (NM_001350814.1); short protein forms P36L.
Identifiers: ClinVar variation 769716 (VCV000769716.10), dbSNP rs35647889, ClinGen allele CA4263071.
Genomic context (GRCh38, chr7:50,703,853, plus strand): 5'-GTGTTCTTGTGTTTTGCTCATTCCTTACCCTGGTGATTCGCAAGTCGGTCAGACTGTGCG[G>A]GGAGTCCTGGTCCTGCCGGGTCTTGTTGACTGCGAGGTGTCTGCTCCACCTTGTCCTAAA-3'
Protein context (NP_001337743.1, residues 26-46): SQQDPAGPGL[Pro36Leu]AQSDRLANHQ